The following is an entry in ClinVar:

NM_022168.4(IFIH1):c.520_522dup (p.Lys174_Glu175insLys)

Gene: IFIH1 (interferon induced with helicase C domain 1; minus strand). Cytogenetic location: 2q24.2.
Variant type: Duplication.
Coding change: c.520_522dup on transcript NM_022168.4 (MANE Select); coding-DNA positions 520 to 522, 3 bases duplicated (AAA; older notation c.520_522dupAAA).
Protein change: p.Lys174_Glu175insLys.
Genome position (GRCh38, 1-based): chr2:162,310,865-162,310,867, TTT duplicated on the plus strand (AAA on the coding strand, the reverse complement: IFIH1 is on the minus strand). VCF-style (leftmost placement, unchanged base first): chr2-162310864-C-CTTT. GRCh37 (hg19) VCF-style: chr2-163167374-C-CTTT.
Identifiers: ClinVar variation 4789229 (VCV004789229.1).

ClinVar aggregate classification (germline): Uncertain significance (1 of 4 stars; one submission).

Conditions:
Singleton-Merten syndrome 1 (SGMRT1). Also called: Widened medullary cavities of bone, aortic calcification, abnormal dentition, and muscular weakness; Syndrome of widened medullary cavities of the metacarpals and phalanges, aortic calcification and abnormal dentition. Identifiers: Orphanet 85191, MedGen C4225427, MONDO:0024535, OMIM 182250.
Aicardi-Goutieres syndrome 7 (AGS7). Identifiers: Orphanet 51, MedGen C3888244, MONDO:0014367, OMIM 615846.

Submission:

Labcorp Genetics (formerly Invitae), Labcorp
Classification: Uncertain significance for Aicardi-Goutieres syndrome 7; Singleton-Merten syndrome 1. Last evaluated: 2025-05-21. Review status: criteria provided, single submitter. Criteria: Invitae Variant Classification Sherloc (09022015). Collection method: clinical testing. Allele origin: germline.
Comment: This variant, c.520_522dup, results in the insertion of 1 amino acid(s) of the IFIH1 protein (p.Lys174dup), but otherwise preserves the integrity of the reading frame. This variant is not present in population databases (gnomAD no frequency). This variant has not been reported in the literature in individuals affected with IFIH1-related conditions. In summary, the available evidence is currently insufficient to determine the role of this variant in disease. Therefore, it has been classified as a Variant of Uncertain Significance.